The following is an entry in ClinVar:

NM_001276270.2(MBD4):c.205A>G (p.Ile69Val)

Gene: MBD4 (methyl-CpG binding domain 4, DNA glycosylase; minus strand). Cytogenetic location: 3q21.3.
Variant type: single nucleotide variant.
Coding change: c.205A>G on transcript NM_001276270.2 (MANE Select); coding-DNA position 205, A replaced by G.
Protein change: p.Ile69Val; replaces isoleucine 69 with valine.
Molecular consequence: missense variant.
Genome position (GRCh38, 1-based): chr3:129,437,850, T>C on the plus strand (A>G on the coding strand, the complement: MBD4 is on the minus strand). VCF-style: chr3-129437850-T-C. GRCh37 (hg19) VCF-style: chr3-129156693-T-C.
Other names: c.205A>G, p.Ile69Val (NM_001276271.2, NM_001276272.2, NM_001276273.2 and 1 more transcripts); short protein forms I69V.
Identifiers: ClinVar variation 3543805 (VCV003543805.3).

ClinVar aggregate classification (germline): Uncertain significance. Review status: criteria provided, multiple submitters, no conflicts (2 of 4 stars). 2 submissions from 2 submitters: Uncertain significance (2). Last evaluated 2025-08-07.

Conditions:
Inborn genetic diseases. Identifiers: MedGen C0950123, MeSH D030342.

gnomAD v4.1: 8 of 1,614,006 alleles (0.0005%); highest among the groups gnomAD compares: African/African-American, 0.004%; no homozygotes.

Submissions (2):

Labcorp Genetics (formerly Invitae), Labcorp
Classification: Uncertain significance. Last evaluated: 2025-08-07. Review status: criteria provided, single submitter. Criteria: Invitae Variant Classification Sherloc (09022015). Collection method: clinical testing. Allele origin: germline.
Comment: This sequence change replaces isoleucine, which is neutral and non-polar, with valine, which is neutral and non-polar, at codon 69 of the MBD4 protein (p.Ile69Val). This variant is present in population databases (rs576367209, gnomAD 0.02%). This variant has not been reported in the literature in individuals affected with MBD4-related conditions. ClinVar contains an entry for this variant (Variation ID: 3543805). An algorithm developed to predict the effect of missense changes on protein structure and function outputs the following: PolyPhen-2: "Benign". The valine amino acid residue is found in multiple mammalian species, which suggests that this missense change does not adversely affect protein function. In summary, the available evidence is currently insufficient to determine the role of this variant in disease. Therefore, it has been classified as a Variant of Uncertain Significance.

Ambry Genetics
Classification: Uncertain significance for Inborn genetic diseases. Last evaluated: 2024-12-08. Review status: criteria provided, single submitter. Criteria: Ambry Variant Classification Scheme 2023. Collection method: clinical testing. Allele origin: germline.
Comment: The p.I69V variant (also known as c.205A>G), located in coding exon 2 of the MBD4 gene, results from an A to G substitution at nucleotide position 205. The isoleucine at codon 69 is replaced by valine, an amino acid with highly similar properties. This amino acid position is conserved. In addition, this alteration is predicted to be tolerated by in silico analysis. Based on the available evidence, the clinical significance of this variant remains unclear.